The following is an entry in ClinVar:

NM_007294.4(BRCA1):c.5320A>G (p.Asn1774Asp)

Gene: BRCA1 (BRCA1 DNA repair associated; minus strand). Cytogenetic location: 17q21.31.
Variant type: single nucleotide variant.
Coding change: c.5320A>G on transcript NM_007294.4 (MANE Select); coding-DNA position 5320, A replaced by G.
Protein change: p.Asn1774Asp; replaces asparagine 1774 with aspartic acid.
Molecular consequence: missense variant. On other transcripts: non-coding transcript variant (1).
Genome position (GRCh38, 1-based): chr17:43,051,075, T>C on the plus strand (A>G on the coding strand, the complement: BRCA1 is on the minus strand). VCF-style: chr17-43051075-T-C. GRCh37 (hg19) VCF-style: chr17-41203092-T-C.
Other names: c.5311A>G, p.Asn1771Asp (NM_001407644.1, NM_001407645.1); c.5308A>G, p.Asn1770Asp (NM_001407646.1); c.5305A>G, p.Asn1769Asp (NM_001407647.1); c.5263A>G, p.Asn1755Asp (NM_001407648.1); c.5260A>G, p.Asn1754Asp (NM_001407649.1); c.5242A>G, p.Asn1748Asp (NM_001407652.1, NM_001407653.1, NM_001407654.1 and 1 more transcripts); c.5197A>G, p.Asn1733Asp (NM_001407664.1, NM_001407665.1, NM_001407666.1 and 5 more transcripts); c.5194A>G, p.Asn1732Asp (NM_001407670.1, NM_001407671.1, NM_001407672.1 and 10 more transcripts); and 72 more; short protein forms N1727D, N1795D, N670D, N1774D, N1605D, N1646D, N1684D, N1685D.
Identifiers: ClinVar variation 867991 (VCV000867991.3), dbSNP rs1597804254, ClinGen allele CA10590912.

Conditions:
Breast-ovarian cancer, familial, susceptibility to, 1 (BROVCA1). Also called: BRCA1 Hereditary Breast and Ovarian Cancer; OVARIAN CANCER, SUSCEPTIBILITY TO. Identifiers: Orphanet 145, MedGen C2676676, MONDO:0011450, OMIM 604370. Disease mechanism: loss of function.

Submission:

Brotman Baty Institute, University of Washington
No classification provided (evidence only). Condition: Breast-ovarian cancer, familial 1. Review status: no classification provided. Collection method: in vitro. Allele origin: not applicable. Functional consequence: functionally_normal.
ClinVar note: "not provided" was previously submitted as the classification for the variant. However, the classification appeared to be based only on an observation of functional data so it was converted to no classification on 2025-07-30.